The following is an entry in ClinVar:

NM_001136193.2(FASTKD2):c.192del (p.His65fs)

Gene: FASTKD2 (FAST kinase domains 2; plus strand). Cytogenetic location: 2q33.3.
Variant type: Deletion.
Coding change: c.192del on transcript NM_001136193.2 (MANE Select); coding-DNA position 192, one base deleted (T; older notation c.192delT).
Protein change: p.His65fs; shifts the reading frame from histidine 65.
Molecular consequence: frameshift variant.
Genome position (GRCh38, 1-based): chr2:206,766,885, T deleted; the last of 3 consecutive T bases (chr2:206,766,883-206,766,885); deleting any one gives the same sequence. VCF-style (leftmost placement, unchanged base first): chr2-206766882-CT-C. GRCh37 (hg19) VCF-style: chr2-207631606-CT-C.
Other names: c.192del, p.His65fs (NM_001136194.2, NM_014929.4); short protein forms H65fs.
Identifiers: ClinVar variation 2828945 (VCV002828945.3), dbSNP rs2469461551, ClinGen allele CA2739279852.

ClinVar aggregate classification (germline): Pathogenic (1 of 4 stars; one submission).

Submission:

Labcorp Genetics (formerly Invitae), Labcorp
Classification: Pathogenic. Last evaluated: 2023-06-15. Review status: criteria provided, single submitter. Criteria: Invitae Variant Classification Sherloc (09022015). Collection method: clinical testing. Allele origin: germline.
Comment: This sequence change creates a premature translational stop signal (p.His65Ilefs*31) in the FASTKD2 gene. It is expected to result in an absent or disrupted protein product. Loss-of-function variants in FASTKD2 are known to be pathogenic (PMID: 18771761). For these reasons, this variant has been classified as Pathogenic. This variant has not been reported in the literature in individuals affected with FASTKD2-related conditions. This variant is not present in population databases (gnomAD no frequency).

Literature cited by the submitters: PubMed 18771761.